The following is an entry in ClinVar:

NM_001163809.2(WDR81):c.2051A>G (p.Gln684Arg)

Gene: WDR81 (WD repeat domain 81; plus strand). Cytogenetic location: 17p13.3.
Variant type: single nucleotide variant.
Coding change: c.2051A>G on transcript NM_001163809.2 (MANE Select); coding-DNA position 2051, A replaced by G.
Protein change: p.Gln684Arg; replaces glutamine 684 with arginine.
Molecular consequence: missense variant. On other transcripts: intron variant (3).
Genome position (GRCh38, 1-based): chr17:1,727,010, A>G. VCF-style: chr17-1727010-A-G. GRCh37 (hg19) VCF-style: chr17-1630304-A-G.
Other names: c.-123-980A>G (NM_152348.4); c.59-3370A>G (NM_001163673.2); c.-15+2224A>G (NM_001163811.2); short protein forms Q684R.
Identifiers: ClinVar variation 1031890 (VCV001031890.3), dbSNP rs748793270, ClinGen allele CA397590540.

ClinVar aggregate classification (germline): Uncertain significance. Review status: criteria provided, multiple submitters, no conflicts (2 of 4 stars). 2 submissions from 2 submitters: Uncertain significance (2). Last evaluated 2022-01-31.

Conditions:
Cerebellar ataxia, impaired intellectual development, and dysequilibrium syndrome 2. Also called: Cerebellar ataxia, intellectual disability, and dysequilibrium syndrome 2; CEREBELLAR ATAXIA, MENTAL RETARDATION, AND DYSEQUILIBRIUM SYNDROME 2; CEREBELLAR ATAXIA AND MENTAL RETARDATION WITH OR WITHOUT QUADRUPEDAL LOCOMOTION 2. Identifiers: Orphanet 1766, MedGen C2750234, MONDO:0012430, OMIM 610185.

Allele frequency attached by ClinVar (database versions not stated): TOPMed 0.00001.

Submissions (2):

GeneDx
Classification: Uncertain significance. Last evaluated: 2022-01-31. Review status: criteria provided, single submitter. Criteria: GeneDx Variant Classification Process June 2021. Collection method: clinical testing. Allele origin: germline. Affected: yes.
Comment: Not observed at significant frequency in large population cohorts (gnomAD); In silico analysis supports that this missense variant does not alter protein structure/function; Has not been previously published as pathogenic or benign to our knowledge

Baylor Genetics
Classification: Uncertain significance for Cerebellar ataxia, impaired intellectual development, and dysequilibrium syndrome 2. Last evaluated: 2018-08-24. Review status: criteria provided, single submitter. Criteria: ACMG Guidelines, 2015. Collection method: clinical testing. Allele origin: maternal. Affected: yes.
Comment: This variant was determined to be of uncertain significance according to ACMG Guidelines, 2015 [PMID:25741868].